The following is an entry in ClinVar:

ClinVar aggregate classification (germline): Uncertain significance (1 of 4 stars; one submission).

Conditions:
Hereditary sensory neuropathy-deafness-dementia syndrome. Also called: Hereditary Sensory and Autonomic Neuropathy Type 1E (HSAN1E); NEUROPATHY, HEREDITARY SENSORY, WITH HEARING LOSS AND DEMENTIA; HSN IE; Hereditary sensory neuropathy type IE. Identifiers: Orphanet 456318, MedGen C3279885, MONDO:0013584, OMIM 614116.

Submission:

Labcorp Genetics (formerly Invitae), Labcorp
Classification: Uncertain significance for Hereditary sensory neuropathy-deafness-dementia syndrome. Last evaluated: 2024-10-29. Review status: criteria provided, single submitter. Criteria: Invitae Variant Classification Sherloc (09022015). Collection method: clinical testing. Allele origin: germline.
Comment: This sequence change replaces methionine, which is neutral and non-polar, with valine, which is neutral and non-polar, at codon 1441 of the DNMT1 protein (p.Met1441Val). This variant is not present in population databases (gnomAD no frequency). This variant has not been reported in the literature in individuals affected with DNMT1-related conditions. Invitae Evidence Modeling of protein sequence and biophysical properties (such as structural, functional, and spatial information, amino acid conservation, physicochemical variation, residue mobility, and thermodynamic stability) indicates that this missense variant is expected to disrupt DNMT1 protein function with a positive predictive value of 80%. In summary, the available evidence is currently insufficient to determine the role of this variant in disease. Therefore, it has been classified as a Variant of Uncertain Significance.

NM_001130823.3(DNMT1):c.4321A>G (p.Met1441Val)

Gene: DNMT1 (DNA methyltransferase 1; minus strand). Cytogenetic location: 19p13.2.
Variant type: single nucleotide variant.
Coding change: c.4321A>G on transcript NM_001130823.3 (MANE Select); coding-DNA position 4321, A replaced by G.
Protein change: p.Met1441Val; replaces methionine 1441 with valine.
Molecular consequence: missense variant.
Genome position (GRCh38, 1-based): chr19:10,137,253, T>C on the plus strand (A>G on the coding strand, the complement: DNMT1 is on the minus strand). VCF-style: chr19-10137253-T-C. GRCh37 (hg19) VCF-style: chr19-10247929-T-C.
Other names: c.4273A>G, p.Met1425Val (NM_001318730.2, NM_001379.4); c.3958A>G, p.Met1320Val (NM_001318731.2); short protein forms M1425V, M1441V, M1320V.
Identifiers: ClinVar variation 3669966 (VCV003669966.2).